The following is an entry in ClinVar:

NM_014822.4(SEC24D):c.1790A>T (p.Asp597Val)

Gene: SEC24D (SEC24 homolog D, COPII component; minus strand). Cytogenetic location: 4q26.
Variant type: single nucleotide variant.
Coding change: c.1790A>T on transcript NM_014822.4 (MANE Select); coding-DNA position 1790, A replaced by T.
Protein change: p.Asp597Val; replaces aspartic acid 597 with valine.
Molecular consequence: missense variant.
Genome position (GRCh38, 1-based): chr4:118,744,978, T>A on the plus strand (A>T on the coding strand, the complement: SEC24D is on the minus strand). VCF-style: chr4-118744978-T-A. GRCh37 (hg19) VCF-style: chr4-119666133-T-A.
Other names: c.1793A>T, p.Asp598Val (NM_001318066.2); short protein forms D597V, D598V.
Identifiers: ClinVar variation 1315221 (VCV001315221.6), dbSNP rs375796795, ClinGen allele CA3057164.

ClinVar aggregate classification (germline): Uncertain significance. Review status: criteria provided, multiple submitters, no conflicts (2 of 4 stars). 4 submissions from 4 submitters: Uncertain significance (3). 1 of the submissions does not count toward it. Last evaluated 2022-10-29.

Conditions:
SEC24D-related disorder. Also called: SEC24D-related condition.
Cole-Carpenter syndrome 2 (CLCRP2). Identifiers: Orphanet 2050, MedGen C4225382, MONDO:0014573, OMIM 616294.

Allele frequency attached by ClinVar (database versions not stated): ESP Exome Variant Server 0.00008; ExAC 0.00010; gnomAD exomes 0.00016; gnomAD 0.00019 and 0.00020.
gnomAD v4.1: 226 of 1,611,966 alleles (0.014%); highest among the groups gnomAD compares: Admixed American, 0.047%; no homozygotes.

Submissions (4):

Labcorp Genetics (formerly Invitae), Labcorp
Classification: Uncertain significance. Last evaluated: 2022-10-29. Review status: criteria provided, single submitter. Criteria: Invitae Variant Classification Sherloc (09022015). Collection method: clinical testing. Allele origin: germline.
Comment: This sequence change replaces aspartic acid, which is acidic and polar, with valine, which is neutral and non-polar, at codon 597 of the SEC24D protein (p.Asp597Val). This variant is present in population databases (rs375796795, gnomAD 0.04%). This variant has not been reported in the literature in individuals affected with SEC24D-related conditions. ClinVar contains an entry for this variant (Variation ID: 1315221). Algorithms developed to predict the effect of missense changes on protein structure and function are either unavailable or do not agree on the potential impact of this missense change (SIFT: "Not Available"; PolyPhen-2: "Possibly Damaging"; Align-GVGD: "Not Available"). In summary, the available evidence is currently insufficient to determine the role of this variant in disease. Therefore, it has been classified as a Variant of Uncertain Significance.

Revvity Omics, Revvity
Classification: Uncertain significance for Cole-Carpenter syndrome 2. Last evaluated: 2020-09-30. Review status: criteria provided, single submitter. Criteria: ACMG Guidelines, 2015. Collection method: clinical testing. Allele origin: germline.

GeneDx
Classification: Uncertain significance. Last evaluated: 2020-01-30. Review status: criteria provided, single submitter. Criteria: GeneDx Variant Classification Process June 2021. Collection method: clinical testing. Allele origin: germline. Affected: yes.
Comment: In silico analysis supports that this missense variant has a deleterious effect on protein structure/function; Has not been previously published as pathogenic or benign to our knowledge

PreventionGenetics, part of Exact Sciences
Classification: Uncertain significance for SEC24D-related condition. Last evaluated: 2024-07-16. Review status: no assertion criteria provided. Collection method: clinical testing. Allele origin: germline. Not counted in ClinVar's aggregate classification.
Comment: The SEC24D c.1790A>T variant is predicted to result in the amino acid substitution p.Asp597Val. To our knowledge, this variant has not been reported in the literature. This variant is reported in 0.037% of alleles in individuals of Latino descent in gnomAD. At this time, the clinical significance of this variant is uncertain due to the absence of conclusive functional and genetic evidence.